The following is an entry in ClinVar:

NM_014251.3(SLC25A13):c.1048G>A (p.Asp350Asn)

Gene: SLC25A13 (solute carrier family 25 member 13; minus strand). Cytogenetic location: 7q21.3.
Variant type: single nucleotide variant.
Coding change: c.1048G>A on transcript NM_014251.3 (MANE Select); coding-DNA position 1048, G replaced by A.
Protein change: p.Asp350Asn; replaces aspartic acid 350 with asparagine.
Molecular consequence: missense variant. On other transcripts: non-coding transcript variant (1).
Genome position (GRCh38, 1-based): chr7:96,184,406, C>T on the plus strand (G>A on the coding strand, the complement: SLC25A13 is on the minus strand). VCF-style: chr7-96184406-C-T. GRCh37 (hg19) VCF-style: chr7-95813718-C-T.
Other names: c.1051G>A, p.Asp351Asn (NM_001160210.2); c.1051G>A (NM_001160210.1); short protein forms D351N, D350N.
Identifiers: ClinVar variation 855835 (VCV000855835.18), dbSNP rs1312396424, ClinGen allele CA368260334.

ClinVar aggregate classification (germline): Pathogenic/Likely pathogenic. Review status: criteria provided, multiple submitters, no conflicts (2 of 4 stars). 7 submissions from 7 submitters: Pathogenic (6); Likely pathogenic (1). Last evaluated 2025-09-24.

Conditions:
Citrullinemia, type II, adult-onset (CDAA). Also called: CITRIN DEFICIENCY, ADOLESCENT OR ADULT ONSET. Identifiers: Orphanet 247585, MedGen CN295299, MONDO:0011326, OMIM 603471.
Neonatal intrahepatic cholestasis due to citrin deficiency (CDNI). Also called: CITRIN DEFICIENCY, NEONATAL OR INFANTILE ONSET; Neonatal-onset citrullinemia type II; Neonatal-onset citrullinemia type 2; Neonatal Intrahepatic Cholestasis Caused by Citrin Deficiency (NICCD). Identifiers: Orphanet 247598, MedGen C1853942, MONDO:0011601, OMIM 605814.
Citrullinemia. Identifiers: Orphanet 187, MedGen C0175683, MONDO:0015991.
Citrullinemia type II. Also called: Citrullinemia Type II (CTLN2). Identifiers: Orphanet 247585, MedGen C1863844, MONDO:0016603.
Citrin deficiency. Identifiers: Orphanet 247582, MedGen C1997910, MONDO:0016602.

Allele frequency attached by ClinVar (database versions not stated): TOPMed 0.00001; gnomAD 0.00002; gnomAD exomes 0.00001.
gnomAD v4.1: 8 of 1,613,862 alleles (0.0005%); highest among the groups gnomAD compares: Non-Finnish European, 0.00068%; no homozygotes.

Submissions (7):

Genesolutions, Medical Genetics Institutes, Ho Chi Minh City, Vietnam
Classification: Pathogenic for Neonatal intrahepatic cholestasis due to citrin deficiency. Last evaluated: 2025-09-24. Review status: criteria provided, single submitter. Criteria: ACMG Guidelines, 2015. Collection method: clinical testing. Allele origin: germline. Affected: yes.

Natera, Inc.
Classification: Pathogenic for Citrullinemia. Last evaluated: 2025-04-09. Review status: criteria provided, single submitter. Criteria: Natera Variant Classification Schema (03/2026). Collection method: clinical testing. Allele origin: germline.
Comment: The c.1048G>A variant in SLC25A13 is a missense variant predicted to cause substitution of aspartic acid to asparagine at amino acid 350. This variant is rare in the general population with a frequency below the threshold expected for the associated phenotype(s). This variant has been observed in one or more individuals affected with the associated recessive disease, as either homozygous or compound heterozygous with a second variant (PMID: 31450232, 27405544). Computational prediction algorithms indicate this variant is likely to affect gene or protein function. Given the available evidence, this variant is classified as Pathogenic.

Baylor Genetics
Classification: Likely pathogenic for Citrullinemia, type II, adult-onset. Last evaluated: 2024-03-15. Review status: criteria provided, single submitter. Criteria: ACMG Guidelines, 2015. Collection method: clinical testing. Allele origin: unknown.

Fulgent Genetics
Classification: Pathogenic for Citrullinemia, type II, adult-onset; Neonatal intrahepatic cholestasis due to citrin deficiency. Last evaluated: 2024-02-12. Review status: criteria provided, single submitter. Criteria: ACMG Guidelines, 2015. Collection method: clinical testing. Allele origin: germline.

Labcorp Genetics (formerly Invitae), Labcorp
Classification: Pathogenic for Citrin deficiency. Last evaluated: 2023-11-27. Review status: criteria provided, single submitter. Criteria: Invitae Variant Classification Sherloc (09022015). Collection method: clinical testing. Allele origin: germline.
Comment: This sequence change replaces aspartic acid, which is acidic and polar, with asparagine, which is neutral and polar, at codon 350 of the SLC25A13 protein (p.Asp350Asn). This variant is present in population databases (no rsID available, gnomAD 0.006%). This missense change has been observed in individuals with citrin deficiency (PMID: 20376801, 24069319, 27405544). ClinVar contains an entry for this variant (Variation ID: 855835). Advanced modeling of protein sequence and biophysical properties (such as structural, functional, and spatial information, amino acid conservation, physicochemical variation, residue mobility, and thermodynamic stability) performed at Invitae indicates that this missense variant is expected to disrupt SLC25A13 protein function with a positive predictive value of 80%. For these reasons, this variant has been classified as Pathogenic.

Women's Health and Genetics/Laboratory Corporation of America, LabCorp
Classification: Pathogenic for Citrullinemia type II. Last evaluated: 2023-03-19. Review status: criteria provided, single submitter. Criteria: LabCorp Variant Classification Summary - May 2015. Collection method: clinical testing. Allele origin: germline.
Comment: Variant summary: SLC25A13 c.1048G>A (p.Asp350Asn) results in a conservative amino acid change located in the Mitochondrial substrate/solute carrier repeat (IPR018108) of the encoded protein sequence. Four of five in-silico tools predict a damaging effect of the variant on protein function. The variant allele was found at a frequency of 8e-06 in 251310 control chromosomes (gnomAD). c.1048G>A has been reported in the literature in multiple compound heterozygous individuals affected with Citrullinemia (e.g. Song_2013, Lin_2016, Wang_2020). These data indicate that the variant is very likely to be associated with disease. To our knowledge, no experimental evidence demonstrating an impact on protein function has been reported. Two ClinVar submitters have assessed the variant since 2014: one classified the variant as likely pathogenic and the other as pathogenic. Based on the evidence outlined above, the variant was classified as pathogenic.

Royal Medical Services, Bahrain Defence Force Hospital
Classification: Pathogenic for Neonatal intrahepatic cholestasis due to citrin deficiency. Review status: criteria provided, single submitter. Criteria: ACMG Guidelines, 2015. Collection method: clinical testing. Allele origin: inherited. Inheritance: Autosomal recessive inheritance. Affected: yes. Observed: 1 homozygote.

Literature cited by the submitters: PubMed 31450232 (cited by Natera, Inc. and Women's Health and Genetics/Laboratory Corporation of America, LabCorp); PubMed 27405544 (cited by 4 submitters); PubMed 20376801 (cited by Labcorp Genetics (formerly Invitae), Labcorp and Royal Medical Services, Bahrain Defence Force Hospital); PubMed 24069319 (cited by Labcorp Genetics (formerly Invitae), Labcorp and Women's Health and Genetics/Laboratory Corporation of America, LabCorp); PubMed 35095998 (cited by Royal Medical Services, Bahrain Defence Force Hospital); PubMed 855835 (cited by Royal Medical Services, Bahrain Defence Force Hospital); PubMed 21424115 (cited by Royal Medical Services, Bahrain Defence Force Hospital).